The following is an entry in ClinVar:

NM_080425.4(GNAS):c.1797C>T (p.Arg599=)

Gene: GNAS (GNAS complex locus; plus strand). Cytogenetic location: 20q13.32.
Variant type: single nucleotide variant.
Coding change: c.1797C>T on transcript NM_080425.4 (MANE Plus Clinical); coding-DNA position 1797, C replaced by T.
Protein change: p.Arg599=; no amino-acid change (arginine 599 retained).
Molecular consequence: synonymous variant. On other transcripts: missense variant (2), intron variant (3).
Genome position (GRCh38, 1-based): chr20:58,855,062, C>T. VCF-style: chr20-58855062-C-T. GRCh37 (hg19) VCF-style: chr20-57430117-C-T.
Other names: c.1610C>T, p.Ala537Val (NM_001077490.3, NM_001309883.1); c.1797C>T, p.Arg599= (NM_001410913.1); c.*42+14176C>T (NM_016592.5); c.43+14176C>T (NM_001410912.1); c.-39+13187C>T (NM_001309861.2); short protein forms A537V.
Identifiers: ClinVar variation 3042920 (VCV003042920.6), dbSNP rs202069520, ClinGen allele CA9926767.

ClinVar aggregate classification (germline): Likely benign. Review status: criteria provided, single submitter (1 of 4 stars). 2 submissions from 2 submitters: Likely benign (1). 1 of the submissions does not count toward it. Last evaluated 2026-03-01.

Conditions:
GNAS-related disorder. Identifiers: MedGen CN380105.

Allele frequency attached by ClinVar (database versions not stated): ESP Exome Variant Server 0.00065; ExAC 0.00022; 1000 Genomes Project 30x 0.00062; 1000 Genomes Project 0.00080.
gnomAD v4.1: 138 of 1,613,180 alleles (0.0086%); highest among the groups gnomAD compares: African/African-American, 0.17%; 1 homozygote.

Submissions (2):

CeGaT Center for Human Genetics Tuebingen
Classification: Likely benign. Last evaluated: 2026-03-01. Review status: criteria provided, single submitter. Criteria: CeGaT Center For Human Genetics Tuebingen Variant Classification Criteria Version 2. Collection method: clinical testing. Allele origin: germline. Affected: yes. Observed: 1 variant allele.
Comment: GNAS: BP4, BS1

PreventionGenetics, part of Exact Sciences
Classification: Likely benign for GNAS-related condition. Last evaluated: 2019-07-22. Review status: no assertion criteria provided. Collection method: clinical testing. Allele origin: germline. Not counted in ClinVar's aggregate classification.
Comment: This variant is classified as likely benign based on ACMG/AMP sequence variant interpretation guidelines (Richards et al. 2015 PMID: 25741868, with internal and published modifications).